The following is an entry in ClinVar:

ClinVar aggregate classification (germline): Uncertain significance. Review status: criteria provided, single submitter (1 of 4 stars). 2 submissions from 2 submitters: Uncertain significance (1). 1 of the submissions does not count toward it. Last evaluated 2022-02-24.

Conditions:
VPS13B-related disorder. Also called: VPS13B-related condition.
Cohen syndrome (COH1). Also called: PEPPER SYNDROME; Cutis verticis gyrata, retinitis pigmentosa, and sensorineural deafness. Identifiers: Orphanet 193, MedGen C0265223, MONDO:0008999, OMIM 216550.

Allele frequency attached by ClinVar (database versions not stated): TOPMed below 0.00001; ExAC 0.00001; gnomAD 0.00001; ESP Exome Variant Server 0.00008.
gnomAD v4.1: 1 of 1,613,662 alleles (0.000062%); highest among the groups gnomAD compares: Non-Finnish European, 0.000085%; no homozygotes.

Submissions (2):

Labcorp Genetics (formerly Invitae), Labcorp
Classification: Uncertain significance for Cohen syndrome. Last evaluated: 2022-02-24. Review status: criteria provided, single submitter. Criteria: Invitae Variant Classification Sherloc (09022015). Collection method: clinical testing. Allele origin: germline.
Comment: This variant has not been reported in the literature in individuals affected with VPS13B-related conditions. This sequence change replaces alanine, which is neutral and non-polar, with threonine, which is neutral and polar, at codon 3643 of the VPS13B protein (p.Ala3643Thr). This variant is present in population databases (rs373605057, gnomAD 0.0009%). ClinVar contains an entry for this variant (Variation ID: 1001953). Algorithms developed to predict the effect of missense changes on protein structure and function are either unavailable or do not agree on the potential impact of this missense change (SIFT: "Not Available"; PolyPhen-2: "Possibly Damaging"; Align-GVGD: "Not Available"). In summary, the available evidence is currently insufficient to determine the role of this variant in disease. Therefore, it has been classified as a Variant of Uncertain Significance.

PreventionGenetics, part of Exact Sciences
Classification: Uncertain significance for VPS13B-related condition. Last evaluated: 2024-05-01. Review status: no assertion criteria provided. Collection method: clinical testing. Allele origin: germline. Not counted in ClinVar's aggregate classification.
Comment: The VPS13B c.10852G>A variant is predicted to result in the amino acid substitution p.Ala3618Thr. To our knowledge, this variant has not been reported in the literature or in a large population database, indicating this variant is rare. At this time, the clinical significance of this variant is uncertain due to the absence of conclusive functional and genetic evidence.

NM_152564.5(VPS13B):c.10852G>A (p.Ala3618Thr)

Gene: VPS13B (vacuolar protein sorting 13 homolog B; plus strand). Cytogenetic location: 8q22.2.
Variant type: single nucleotide variant.
Coding change: c.10852G>A on transcript NM_152564.5 (MANE Select); coding-DNA position 10852, G replaced by A.
Protein change: p.Ala3618Thr; replaces alanine 3618 with threonine.
Molecular consequence: missense variant.
Genome position (GRCh38, 1-based): chr8:99,854,241, G>A. VCF-style: chr8-99854241-G-A. GRCh37 (hg19) VCF-style: chr8-100866469-G-A.
Other names: c.10927G>A, p.Ala3643Thr (NM_017890.5); c.10852G>A (NM_152564.4); short protein forms A3618T, A3643T.
Identifiers: ClinVar variation 1001953 (VCV001001953.9), dbSNP rs373605057, ClinGen allele CA4825027.